The following is an entry in ClinVar:

ClinVar aggregate classification (germline): Conflicting classifications of pathogenicity. Review status: criteria provided, conflicting classifications (1 of 4 stars). 2 submissions from 2 submitters: Uncertain significance (1); Likely benign (1). Last evaluated 2026-03-24.

Conditions:
Neuropathy, hereditary sensory, type 2C. Also called: Hereditary sensory and autonomic neuropathy type IIC; KIF1A-Related HSAN2 (HSAN2C). Identifiers: Orphanet 970, MedGen C3280168, MONDO:0013634, OMIM 614213.
Intellectual disability, autosomal dominant 9 (NESCAVS). Also called: NESCAV SYNDROME; KIF1A-Related Neurodevelopmental Disorder. Identifiers: Orphanet 662367, MedGen C5393830, MONDO:0013656, OMIM 614255.
Hereditary spastic paraplegia 30. Identifiers: Orphanet 101010, MedGen C5235139, MONDO:0012476.

Allele frequency attached by ClinVar (database versions not stated): gnomAD exomes below 0.00001.

Submissions (2):

Women's Health and Genetics/Laboratory Corporation of America, LabCorp
Classification: Uncertain significance. Last evaluated: 2026-03-24. Review status: criteria provided, single submitter. Criteria: LabCorp Variant Classification Summary - May 2015. Collection method: clinical testing. Allele origin: germline.
Comment: Variant summary: KIF1A c.3481A>G (p.Met1161Val) results in a conservative amino acid change in the encoded protein sequence. Algorithms developed to predict the effect of missense changes on protein structure and function are either unavailable or do not agree on the potential impact of this missense change. The variant allele was found at a frequency of 4e-06 in 248482 control chromosomes. The available data on variant occurrences in the general population are insufficient to allow any conclusion about variant significance. To our knowledge, no occurrence of c.3481A>G in individuals affected with KIF1A-related conditions and no experimental evidence demonstrating its impact on protein function have been reported. ClinVar contains an entry for this variant (Variation ID: 2084892). Based on the evidence outlined above, the variant was classified as uncertain significance.

Labcorp Genetics (formerly Invitae), Labcorp
Classification: Likely benign for Hereditary spastic paraplegia 30; Neuropathy, hereditary sensory, type 2C; Intellectual disability, autosomal dominant 9. Last evaluated: 2022-02-02. Review status: criteria provided, single submitter. Criteria: Invitae Variant Classification Sherloc (09022015). Collection method: clinical testing. Allele origin: germline.

NM_001244008.2(KIF1A):c.3784A>G (p.Met1262Val)

Genes: KIF1A (kinesin family member 1A; minus strand), LOC126806583 (P300/CBP strongly-dependent group 1 enhancer GRCh37_chr2:241678910-241680109; plus strand). Cytogenetic location: 2q37.3.
Variant type: single nucleotide variant.
Coding change: c.3784A>G on transcript NM_001244008.2 (MANE Select); coding-DNA position 3784, A replaced by G.
Protein change: p.Met1262Val; replaces methionine 1262 with valine.
Molecular consequence: missense variant.
Genome position (GRCh38, 1-based): chr2:240,740,330, T>C on the plus strand (A>G on the coding strand, the complement: KIF1A is on the minus strand). VCF-style: chr2-240740330-T-C. GRCh37 (hg19) VCF-style: chr2-241679747-T-C.
Other names: c.3508A>G, p.Met1170Val (NM_001320705.2, NM_001330289.2, NM_001379638.1); c.3583A>G, p.Met1195Val (NM_001330290.2, NM_001379634.1, NM_001379635.1 and 1 more transcripts); c.3859A>G, p.Met1287Val (NM_001379631.1); c.3733A>G, p.Met1245Val (NM_001379632.1); c.3757A>G, p.Met1253Val (NM_001379633.1, NM_001379642.1, NM_001379645.1); c.3481A>G, p.Met1161Val (NM_001379636.1, NM_001379639.1, NM_001379641.1 and 6 more transcripts); c.3556A>G, p.Met1186Val (NM_001379637.1, NM_001379648.1); c.3478A>G, p.Met1160Val (NM_001379640.1); short protein forms M1186V, M1262V, M1161V, M1170V, M1253V, M1160V, M1195V, M1245V.
Identifiers: ClinVar variation 2084892 (VCV002084892.5), dbSNP rs1399575811, ClinGen allele CA351314853.